The following is an entry in ClinVar:

ClinVar aggregate classification (germline): Uncertain significance (1 of 4 stars; one submission).

Conditions:
Anauxetic dysplasia. Identifiers: Orphanet 93347, MedGen C1846796, MONDO:0011773.

Allele frequency attached by ClinVar (database versions not stated): gnomAD exomes 0.00001; gnomAD 0.00002; TOPMed 0.00003.

Submission:

Labcorp Genetics (formerly Invitae), Labcorp
Classification: Uncertain significance for Anauxetic dysplasia. Last evaluated: 2022-09-14. Review status: criteria provided, single submitter. Criteria: Invitae Variant Classification Sherloc (09022015). Collection method: clinical testing. Allele origin: germline.
Comment: This variant occurs in the RMRP gene, which encodes an RNA molecule that does not result in a protein product. This variant is present in population databases (no rsID available, gnomAD 0.007%). This variant has not been reported in the literature in individuals affected with RMRP-related conditions. Experimental studies and prediction algorithms are not available or were not evaluated, and the functional significance of this variant is currently unknown. In summary, the available evidence is currently insufficient to determine the role of this variant in disease. Therefore, it has been classified as a Variant of Uncertain Significance.

NC_000009.12:g.35657718G>A

Gene: RMRP (RNA component of mitochondrial RNA processing endoribonuclease; minus strand). Cytogenetic location: 9p13.3.
Variant type: single nucleotide variant.
Genome position: GRCh38 VCF-style: chr9-35657718-G-A. GRCh37 (hg19) VCF-style: chr9-35657715-G-A.
Identifiers: ClinVar variation 2043490 (VCV002043490.1), dbSNP rs1378566357, ClinGen allele CA587570143.
Genomic context (GRCh38, chr9:35,657,718, plus strand): 5'-CTGCGGTCCCAACTACTTGGGAGCCTGAGGTGAGGCATCGCGTGAGCCCGGGGAGGTCGA[G>A]GCTGCAGTGAGCCGTGGTCTCGGGAACAAAAAACAGCCGCGCTGAGAATGAGCCCCGTGT-3'